The following is an entry in ClinVar:

ClinVar aggregate classification (germline): Uncertain significance (1 of 4 stars; one submission).

Submission:

Labcorp Genetics (formerly Invitae), Labcorp
Classification: Uncertain significance. Last evaluated: 2025-03-27. Review status: criteria provided, single submitter. Criteria: Invitae Variant Classification Sherloc (09022015). Collection method: clinical testing. Allele origin: germline.
Comment: This sequence change replaces glutamine, which is neutral and polar, with lysine, which is basic and polar, at codon 161 of the OPHN1 protein (p.Gln161Lys). This variant is not present in population databases (gnomAD no frequency). This variant has not been reported in the literature in individuals affected with OPHN1-related conditions. An algorithm developed to predict the effect of missense changes on protein structure and function (PolyPhen-2) suggests that this variant is likely to be tolerated. In summary, the available evidence is currently insufficient to determine the role of this variant in disease. Therefore, it has been classified as a Variant of Uncertain Significance.

NM_002547.3(OPHN1):c.481C>A (p.Gln161Lys)

Gene: OPHN1 (oligophrenin 1; minus strand). Cytogenetic location: Xq12.
Variant type: single nucleotide variant.
Coding change: c.481C>A on transcript NM_002547.3 (MANE Select); coding-DNA position 481, C replaced by A.
Protein change: p.Gln161Lys; replaces glutamine 161 with lysine.
Molecular consequence: missense variant.
Genome position (GRCh38, 1-based): chrX:68,234,492, G>T on the plus strand (C>A on the coding strand, the complement: OPHN1 is on the minus strand). VCF-style: chrX-68234492-G-T. GRCh37 (hg19) VCF-style: chrX-67454334-G-T.
Other names: c.481C>A, p.Gln161Lys (NM_001437258.1); short protein forms Q161K.
Identifiers: ClinVar variation 4797095 (VCV004797095.1).